The following is an entry in ClinVar:

ClinVar aggregate classification (germline): Uncertain significance (1 of 4 stars; one submission).

Allele frequency attached by ClinVar (database versions not stated): gnomAD exomes below 0.00001; TOPMed below 0.00001; ExAC 0.00001; ESP Exome Variant Server 0.00008.
gnomAD v4.1: 6 of 1,613,902 alleles (0.00037%); highest among the groups gnomAD compares: Non-Finnish European, 0.00051%; no homozygotes.

Submission:

Labcorp Genetics (formerly Invitae), Labcorp
Classification: Uncertain significance. Last evaluated: 2022-04-10. Review status: criteria provided, single submitter. Criteria: Invitae Variant Classification Sherloc (09022015). Collection method: clinical testing. Allele origin: germline.
Comment: This variant is present in population databases (rs138108167, gnomAD 0.0009%). This sequence change replaces proline, which is neutral and non-polar, with leucine, which is neutral and non-polar, at codon 1562 of the MCM3AP protein (p.Pro1562Leu). This variant has not been reported in the literature in individuals affected with MCM3AP-related conditions. In summary, the available evidence is currently insufficient to determine the role of this variant in disease. Therefore, it has been classified as a Variant of Uncertain Significance. Algorithms developed to predict the effect of missense changes on protein structure and function are either unavailable or do not agree on the potential impact of this missense change (SIFT: "Deleterious"; PolyPhen-2: "Probably Damaging"; Align-GVGD: "Class C0").

NM_003906.5(MCM3AP):c.4685C>T (p.Pro1562Leu)

Genes: MCM3AP (minichromosome maintenance complex component 3 associated protein; minus strand), MCM3AP-AS1 (MCM3AP antisense RNA 1; plus strand). Cytogenetic location: 21q22.3.
Variant type: single nucleotide variant.
Coding change: c.4685C>T on transcript NM_003906.5 (MANE Select); coding-DNA position 4685, C replaced by T.
Protein change: p.Pro1562Leu; replaces proline 1562 with leucine.
Molecular consequence: missense variant.
Genome position (GRCh38, 1-based): chr21:46,245,160, G>A on the plus strand (C>T on the coding strand, the complement: MCM3AP is on the minus strand). VCF-style: chr21-46245160-G-A. GRCh37 (hg19) VCF-style: chr21-47665074-G-A.
Other names: short protein forms P1562L.
Identifiers: ClinVar variation 2192827 (VCV002192827.2), dbSNP rs138108167, ClinGen allele CA10076037.